The following is an entry in ClinVar:

ClinVar aggregate classification (germline): Uncertain significance (1 of 4 stars; one submission).

Submission:

Ambry Genetics
Classification: Uncertain significance. Last evaluated: 2024-04-10. Review status: criteria provided, single submitter. Criteria: Ambry Variant Classification Scheme 2023. Collection method: clinical testing. Allele origin: germline.
Comment: The p.M49T variant (also known as c.146T>C), located in coding exon 1 of the BUB3 gene, results from a T to C substitution at nucleotide position 146. The methionine at codon 49 is replaced by threonine, an amino acid with similar properties. This amino acid position is conserved. In addition, the in silico prediction for this alteration is inconclusive. Based on the available evidence, the clinical significance of this variant remains unclear.

NM_004725.4(BUB3):c.146T>C (p.Met49Thr)

Gene: BUB3 (BUB3 mitotic checkpoint protein; plus strand). Cytogenetic location: 10q26.13.
Variant type: single nucleotide variant.
Coding change: c.146T>C on transcript NM_004725.4 (MANE Select); coding-DNA position 146, T replaced by C.
Protein change: p.Met49Thr; replaces methionine 49 with threonine.
Molecular consequence: missense variant.
Genome position (GRCh38, 1-based): chr10:123,155,063, T>C. VCF-style: chr10-123155063-T-C. GRCh37 (hg19) VCF-style: chr10-124914579-T-C.
Other names: c.146T>C, p.Met49Thr (NM_001007793.3); short protein forms M49T.
Identifiers: ClinVar variation 3262301 (VCV003262301.1).